The following is an entry in ClinVar:

ClinVar aggregate classification (germline): Conflicting classifications of pathogenicity. Review status: criteria provided, conflicting classifications (1 of 4 stars). 3 submissions from 3 submitters: Uncertain significance (2); Likely benign (1). Last evaluated 2025-03-01.

Conditions:
SPTA1-related disorder. Also called: SPTA1-related disorders; SPTA1-related condition.

Allele frequency attached by ClinVar (database versions not stated): gnomAD 0.00004; gnomAD exomes 0.00006; TOPMed 0.00006; ExAC 0.00009; ESP Exome Variant Server 0.00017.
gnomAD v4.1: 99 of 1,613,304 alleles (0.0061%); highest among the groups gnomAD compares: Non-Finnish European, 0.0077%; no homozygotes.

Submissions (4):

CeGaT Center for Human Genetics Tuebingen
Classification: Uncertain significance. Last evaluated: 2025-03-01. Review status: criteria provided, single submitter. Criteria: CeGaT Center For Human Genetics Tuebingen Variant Classification Criteria Version 2. Collection method: clinical testing. Allele origin: germline. Affected: yes. Observed: 1 variant allele.
Comment: SPTA1: PM2, BP4

PreventionGenetics, part of Exact Sciences
Classification: Likely benign for SPTA1-related condition. Last evaluated: 2024-11-15. Review status: criteria provided, single submitter. Criteria: ACMG Guidelines, 2015. Collection method: clinical testing. Allele origin: germline.
Comment: This variant is classified as likely benign based on ACMG/AMP sequence variant interpretation guidelines (Richards et al. 2015 PMID: 25741868, with internal and published modifications).

Revvity Omics, Revvity
Classification: Uncertain significance. Last evaluated: 2023-04-11. Review status: criteria provided, single submitter. Criteria: ACMG Guidelines, 2015. Collection method: clinical testing. Allele origin: germline.

Dr. Peter K. Rogan Lab, Western University
No classification provided (evidence only). Condition: Melanoma. Review status: no classification provided. Collection method: in vitro. Allele origin: not applicable. Functional consequence: retained intron. Not counted in ClinVar's aggregate classification.

NM_003126.4(SPTA1):c.7135-3C>T

Genes: OR10Z1 (olfactory receptor family 10 subfamily Z member 1; plus strand), SPTA1 (spectrin alpha, erythrocytic 1; minus strand). Cytogenetic location: 1q23.1.
Variant type: single nucleotide variant.
Coding change: c.7135-3C>T on transcript NM_003126.4 (MANE Select); 3 bases into the intron before coding-DNA position 7135, C replaced by T.
Molecular consequence: intron variant. On other transcripts: 3 prime UTR variant (1).
Genome position (GRCh38, 1-based): chr1:158,611,392, G>A on the plus strand (C>T on the coding strand, the complement: SPTA1 is on the minus strand). VCF-style: chr1-158611392-G-A. GRCh37 (hg19) VCF-style: chr1-158581182-G-A.
Other names: NC_000001.10:g.158581182G>A; c.*4012G>A (NM_001004478.2); c.7135-3C>T (NM_003126.2).
Identifiers: ClinVar variation 2690088 (VCV002690088.11), dbSNP rs374324802, ClinGen allele CA1181695.
Genomic context (GRCh38, chr1:158,611,392, plus strand): 5'-GGTCCATATATTGCTGCATATGTGTGGCACAGAATGACACTTGCTCTGGGGTAAGGGCCT[G>A]AAAAGTATAAAAAGAGAAAAATACAGTTATAGGGATTCAAAATAGCTGGTTCCTTGGGGC-3'